The following is an entry in ClinVar:

NM_022450.5(RHBDF1):c.180T>G (p.Ser60=)

Gene: RHBDF1 (rhomboid 5 homolog 1; minus strand). Cytogenetic location: 16p13.3.
Variant type: single nucleotide variant.
Coding change: c.180T>G on transcript NM_022450.5 (MANE Select); coding-DNA position 180, T replaced by G.
Protein change: p.Ser60=; no amino-acid change (serine 60 retained).
Molecular consequence: synonymous variant.
Genome position (GRCh38, 1-based): chr16:64,767, A>C on the plus strand (T>G on the coding strand, the complement: RHBDF1 is on the minus strand). VCF-style: chr16-64767-A-C. GRCh37 (hg19) VCF-style: chr16-114765-A-C.
Identifiers: ClinVar variation 2645769 (VCV002645769.24), dbSNP rs2542735548, ClinGen allele CA492789400.

ClinVar aggregate classification (germline): Likely benign (1 of 4 stars; one submission).

Submission:

CeGaT Center for Human Genetics Tuebingen
Classification: Likely benign. Last evaluated: 2023-01-01. Review status: criteria provided, single submitter. Criteria: CeGaT Center For Human Genetics Tuebingen Variant Classification Criteria Version 2. Collection method: clinical testing. Allele origin: germline. Affected: yes. Observed: 1 variant allele.
Comment: RHBDF1: PM2:Supporting, BP4, BP7